The following is an entry in ClinVar:

ClinVar aggregate classification (germline): Uncertain significance. Review status: criteria provided, multiple submitters, no conflicts (2 of 4 stars). 2 submissions from 2 submitters: Uncertain significance (2). Last evaluated 2019-08-14.

Conditions:
Cardiovascular phenotype. Identifiers: MedGen CN230736.

Allele frequency attached by ClinVar (database versions not stated): TOPMed 0.00001; gnomAD 0.00002; ExAC 0.00008; gnomAD exomes 0.00011; 1000 Genomes Project 30x 0.00016; 1000 Genomes Project 0.00020.
gnomAD v4.1: 167 of 1,613,618 alleles (0.01%); highest among the groups gnomAD compares: South Asian, 0.061%; 2 homozygotes.

Submissions (2):

Revvity Omics, Revvity
Classification: Uncertain significance. Last evaluated: 2019-08-14. Review status: criteria provided, single submitter. Criteria: ACMG Guidelines, 2015. Collection method: clinical testing. Allele origin: germline.

Ambry Genetics
Classification: Uncertain significance for Cardiovascular phenotype. Last evaluated: 2019-06-07. Review status: criteria provided, single submitter. Criteria: Ambry Variant Classification Scheme 2023. Collection method: clinical testing. Allele origin: germline.
Comment: The p.L17616F variant (also known as c.52846C>T), located in coding exon 153 of the TTN gene, results from a C to T substitution at nucleotide position 52846. The leucine at codon 17616 is replaced by phenylalanine, an amino acid with highly similar properties. This amino acid position is highly conserved in available vertebrate species. In addition, this alteration is predicted to be tolerated by in silico analysis. Since supporting evidence is limited at this time, the clinical significance of this alteration remains unclear.

NM_001267550.2(TTN):c.80041C>T (p.Leu26681Phe)

Genes: TTN-AS1 (TTN antisense RNA 1; plus strand), TTN (titin; minus strand). Cytogenetic location: 2q31.2.
Variant type: single nucleotide variant.
Coding change: c.80041C>T on transcript NM_001267550.2 (MANE Select); coding-DNA position 80041, C replaced by T.
Protein change: p.Leu26681Phe; replaces leucine 26681 with phenylalanine.
Molecular consequence: missense variant.
Genome position (GRCh38, 1-based): chr2:178,566,091, G>A on the plus strand (C>T on the coding strand, the complement: TTN is on the minus strand). VCF-style: chr2-178566091-G-A. GRCh37 (hg19) VCF-style: chr2-179430818-G-A.
Other names: c.75118C>T, p.Leu25040Phe (NM_001256850.1); c.52846C>T, p.Leu17616Phe (NM_003319.4); c.72337C>T, p.Leu24113Phe (NM_133378.4); c.53221C>T, p.Leu17741Phe (NM_133432.3); c.53422C>T, p.Leu17808Phe (NM_133437.4); short protein forms L24113F, L25040F, L26681F, L17616F, L17808F, L17741F.
Identifiers: ClinVar variation 1746584 (VCV001746584.5), dbSNP rs555058372, ClinGen allele CA1989403.